The following is an entry in ClinVar:

NM_001556.3(IKBKB):c.1416G>C (p.Met472Ile)

Gene: IKBKB (inhibitor of nuclear factor kappa B kinase subunit beta; plus strand). Cytogenetic location: 8p11.21.
Variant type: single nucleotide variant.
Coding change: c.1416G>C on transcript NM_001556.3 (MANE Select); coding-DNA position 1416, G replaced by C.
Protein change: p.Met472Ile; replaces methionine 472 with isoleucine.
Molecular consequence: missense variant. On other transcripts: non-coding transcript variant (3).
Genome position (GRCh38, 1-based): chr8:42,319,321, G>C. VCF-style: chr8-42319321-G-C. GRCh37 (hg19) VCF-style: chr8-42176839-G-C.
Other names: c.1224G>C, p.Met408Ile (NM_001190720.3); c.1239G>C, p.Met413Ile (NM_001242778.2); short protein forms M472I, M408I, M413I.
Identifiers: ClinVar variation 2986636 (VCV002986636.3), dbSNP rs1248668668, ClinGen allele CA371090355.
Genomic context (GRCh38, chr8:42,319,321, plus strand): 5'-TCCCTGCAGGATGAATCTCCTCCGAAACAACAGCTGCCTCTCCAAAATGAAGAATTCCAT[G>C]GCTTCCATGTCTCAGCAGCTCAAGGCCAAGTTGGATTTCTTCAAAACCAGCATCCAGATT-3'
Protein context (NP_001547.1, residues 462-482): NSCLSKMKNS[Met472Ile]ASMSQQLKAK

ClinVar aggregate classification (germline): Uncertain significance (1 of 4 stars; one submission).

Conditions:
Severe combined immunodeficiency due to IKK2 deficiency. Also called: Immunodeficiency 15; IMMUNODEFICIENCY 15B. Identifiers: Orphanet 397787, MedGen C4747743, MONDO:0014267, OMIM 615592.

Allele frequency attached by ClinVar (database versions not stated): gnomAD exomes below 0.00001; gnomAD 0.00001.
gnomAD v4.1: 9 of 1,613,940 alleles (0.00056%); highest among the groups gnomAD compares: African/African-American, 0.0013%; no homozygotes.

Submission:

Labcorp Genetics (formerly Invitae), Labcorp
Classification: Uncertain significance for Severe combined immunodeficiency due to IKK2 deficiency. Last evaluated: 2023-05-24. Review status: criteria provided, single submitter. Criteria: Invitae Variant Classification Sherloc (09022015). Collection method: clinical testing. Allele origin: germline.
Comment: This sequence change replaces methionine, which is neutral and non-polar, with isoleucine, which is neutral and non-polar, at codon 472 of the IKBKB protein (p.Met472Ile). This variant is present in population databases (no rsID available, gnomAD 0.01%). This variant has not been reported in the literature in individuals affected with IKBKB-related conditions. Advanced modeling of protein sequence and biophysical properties (such as structural, functional, and spatial information, amino acid conservation, physicochemical variation, residue mobility, and thermodynamic stability) performed at Invitae indicates that this missense variant is not expected to disrupt IKBKB protein function. In summary, the available evidence is currently insufficient to determine the role of this variant in disease. Therefore, it has been classified as a Variant of Uncertain Significance.